The following is an entry in ClinVar:

NM_001256071.3(RNF213):c.8269G>A (p.Val2757Ile)

Gene: RNF213 (ring finger protein 213; plus strand). Cytogenetic location: 17q25.3.
Variant type: single nucleotide variant.
Coding change: c.8269G>A on transcript NM_001256071.3 (MANE Select); coding-DNA position 8269, G replaced by A.
Protein change: p.Val2757Ile; replaces valine 2757 with isoleucine.
Molecular consequence: missense variant.
Genome position (GRCh38, 1-based): chr17:80,346,604, G>A. VCF-style: chr17-80346604-G-A. GRCh37 (hg19) VCF-style: chr17-78320404-G-A.
Other names: short protein forms V2757I.
Identifiers: ClinVar variation 743369 (VCV000743369.4), dbSNP rs199523492, ClinGen allele CA8820913.

ClinVar aggregate classification (germline): Likely benign. Review status: criteria provided, single submitter (1 of 4 stars). 2 submissions from 2 submitters: Likely benign (1). 1 of the submissions does not count toward it. Last evaluated 2018-05-15.

Conditions:
RNF213-related disorder. Also called: RNF213-related condition.

Allele frequency attached by ClinVar (database versions not stated): gnomAD exomes 0.00005 and 0.00015; ExAC 0.00023; ESP Exome Variant Server 0.00031; 1000 Genomes Project 0.00040; 1000 Genomes Project 30x 0.00047; gnomAD 0.00048 and 0.00051; TOPMed 0.00058.
gnomAD v4.1: 154 of 1,613,182 alleles (0.0095%); highest among the groups gnomAD compares: African/African-American, 0.17%; 1 homozygote.

Submissions (2):

Labcorp Genetics (formerly Invitae), Labcorp
Classification: Likely benign. Last evaluated: 2018-05-15. Review status: criteria provided, single submitter. Criteria: Invitae Variant Classification Sherloc (09022015). Collection method: clinical testing. Allele origin: germline.

PreventionGenetics, part of Exact Sciences
Classification: Likely benign for RNF213-related condition. Last evaluated: 2024-06-07. Review status: no assertion criteria provided. Collection method: clinical testing. Allele origin: germline. Not counted in ClinVar's aggregate classification.
Comment: This variant is classified as likely benign based on ACMG/AMP sequence variant interpretation guidelines (Richards et al. 2015 PMID: 25741868, with internal and published modifications).